The following is an entry in ClinVar:

NM_181552.4(CUX1):c.2938G>A (p.Asp980Asn)

Gene: CUX1 (cut like homeobox 1; plus strand). Cytogenetic location: 7q22.1.
Variant type: single nucleotide variant.
Coding change: c.2938G>A on transcript NM_181552.4 (MANE Select); coding-DNA position 2938, G replaced by A.
Protein change: p.Asp980Asn; replaces aspartic acid 980 with asparagine.
Molecular consequence: missense variant. On other transcripts: intron variant (5).
Genome position (GRCh38, 1-based): chr7:102,204,421, G>A. VCF-style: chr7-102204421-G-A. GRCh37 (hg19) VCF-style: chr7-101847701-G-A.
Other names: c.2971G>A, p.Asp991Asn (NM_001202543.2); c.1255+8818G>A (NM_001913.5); c.1249+8818G>A (NM_181500.4); c.1117+8818G>A (NM_001202545.3); c.1207+8818G>A (NM_001202544.3); c.1138+8818G>A (NM_001202546.3); short protein forms D980N, D991N.
Identifiers: ClinVar variation 4539851 (VCV004539851.1).
Genomic context (GRCh38, chr7:102,204,421, plus strand): 5'-TGATGGCCTGTGTGTTCGGTGCCACTCCAGGTGCTGGGCCTGTCCCAGGGCAGCGTCAGC[G>A]ACATGCTGTCCCGACCGAAGCCATGGAGCAAGCTGACGCAGAAAGGCCGAGAACCCTTCA-3'
Protein context (NP_853530.2, residues 970-990): VLGLSQGSVS[Asp980Asn]MLSRPKPWSK

ClinVar aggregate classification (germline): Uncertain significance (1 of 4 stars; one submission).

Submission:

GeneDx
Classification: Uncertain significance. Last evaluated: 2025-06-25. Review status: criteria provided, single submitter. Criteria: GeneDx Variant Classification Process June 2021. Collection method: clinical testing. Allele origin: germline. Affected: yes.
Comment: Not observed at significant frequency in large population cohorts (gnomAD); In silico analysis supports that this missense variant has a deleterious effect on protein structure/function; Has not been previously published as pathogenic or benign to our knowledge